The following is an entry in ClinVar:

ClinVar aggregate classification (germline): Uncertain significance (1 of 4 stars; one submission).

Conditions:
Familial sleep-related hypermotor epilepsy. Also called: Autosomal Dominant Sleep-Related Hypermotor (Hyperkinetic) Epilepsy. Identifiers: Orphanet 98784, MedGen C3696898, MONDO:0000030.

Submission:

Labcorp Genetics (formerly Invitae), Labcorp
Classification: Uncertain significance. Last evaluated: 2025-08-28. Review status: criteria provided, single submitter. Criteria: Invitae Variant Classification Sherloc (09022015). Collection method: clinical testing. Allele origin: germline.
Comment: This sequence change replaces threonine, which is neutral and polar, with isoleucine, which is neutral and non-polar, at codon 158 of the CHRNA2 protein (p.Thr158Ile). This variant is present in population databases (rs753162068, gnomAD 0.003%). This variant has not been reported in the literature in individuals affected with CHRNA2-related conditions. Invitae Evidence Modeling of protein sequence and biophysical properties (such as structural, functional, and spatial information, amino acid conservation, physicochemical variation, residue mobility, and thermodynamic stability) has been performed for this missense variant. However, the output from this modeling did not meet the statistical confidence thresholds required to predict the impact of this variant on CHRNA2 protein function. In summary, the available evidence is currently insufficient to determine the role of this variant in disease. Therefore, it has been classified as a Variant of Uncertain Significance.

NM_000742.4(CHRNA2):c.473C>T (p.Thr158Ile)

Gene: CHRNA2 (cholinergic receptor nicotinic alpha 2 subunit; minus strand). Cytogenetic location: 8p21.2.
Variant type: single nucleotide variant.
Coding change: c.473C>T on transcript NM_000742.4 (MANE Select); coding-DNA position 473, C replaced by T.
Protein change: p.Thr158Ile; replaces threonine 158 with isoleucine.
Molecular consequence: missense variant. On other transcripts: 5 prime UTR variant (2), intron variant (2).
Genome position (GRCh38, 1-based): chr8:27,463,970, G>A on the plus strand (C>T on the coding strand, the complement: CHRNA2 is on the minus strand). VCF-style: chr8-27463970-G-A. GRCh37 (hg19) VCF-style: chr8-27321487-G-A.
Other names: c.428C>T, p.Thr143Ile (NM_001282455.2); c.-5C>T (NM_001347705.2, NM_001347706.2); c.-12-110C>T (NM_001347708.2); c.-9-113C>T (NM_001347707.2); short protein forms T158I, T143I.
Identifiers: ClinVar variation 4768899 (VCV004768899.1).
Genomic context (GRCh38, chr8:27,463,970, plus strand): 5'-ATGGCCGGGGGCACCCAGTGCACAGTGCCCGTGGAGAAGAGGTGGGCCTTGGTCATGTGG[G>A]TCACTGCAAACTCCCCATCTGCACTGAGAAGAGGAGAGGAGCTGGGGAGACCCCTGCACA-3'
Protein context (NP_000733.2, residues 148-168): YNNADGEFAV[Thr158Ile]HMTKAHLFST